The following is an entry in ClinVar:

ClinVar aggregate classification (germline): Uncertain significance. Review status: criteria provided, multiple submitters, no conflicts (2 of 4 stars). 4 submissions from 4 submitters: Uncertain significance (4). Last evaluated 2025-08-01.

Conditions:
Charcot-Marie-Tooth disease axonal type 2O. Also called: CHARCOT-MARIE-TOOTH NEUROPATHY, AXONAL, TYPE 2O; CHARCOT-MARIE-TOOTH DISEASE, AXONAL, AUTOSOMAL DOMINANT, TYPE 2O; Charcot-Marie-Tooth Neuropathy Type 2O; Charcot-Marie-Tooth disease, axonal, type 20. Identifiers: Orphanet 284232, MedGen C3280220, MONDO:0013644, OMIM 614228.

Allele frequency attached by ClinVar (database versions not stated): gnomAD exomes below 0.00001.
gnomAD v4.1: 1 of 1,614,218 alleles (0.000062%); no homozygotes.

Submissions (4):

GeneDx
Classification: Uncertain significance. Last evaluated: 2025-08-01. Review status: criteria provided, single submitter. Criteria: GeneDx Variant Classification Process June 2021. Collection method: clinical testing. Allele origin: germline. Affected: yes.
Comment: Not observed at significant frequency in large population cohorts (gnomAD); In silico analysis suggests that this missense variant does not alter protein structure/function; Has not been previously published as pathogenic or benign to our knowledge; This variant is associated with the following publications: (PMID: 25609763, 25512093, 26100331)

Labcorp Genetics (formerly Invitae), Labcorp
Classification: Uncertain significance for Charcot-Marie-Tooth disease axonal type 2O. Last evaluated: 2024-12-17. Review status: criteria provided, single submitter. Criteria: Invitae Variant Classification Sherloc (09022015). Collection method: clinical testing. Allele origin: germline.
Comment: This sequence change replaces lysine, which is basic and polar, with glutamic acid, which is acidic and polar, at codon 954 of the DYNC1H1 protein (p.Lys954Glu). This variant is not present in population databases (gnomAD no frequency). This variant has not been reported in the literature in individuals affected with DYNC1H1-related conditions. ClinVar contains an entry for this variant (Variation ID: 1694730). Invitae Evidence Modeling of protein sequence and biophysical properties (such as structural, functional, and spatial information, amino acid conservation, physicochemical variation, residue mobility, and thermodynamic stability) indicates that this missense variant is not expected to disrupt DYNC1H1 protein function with a negative predictive value of 95%. In summary, the available evidence is currently insufficient to determine the role of this variant in disease. Therefore, it has been classified as a Variant of Uncertain Significance.

CeGaT Center for Human Genetics Tuebingen
Classification: Uncertain significance. Last evaluated: 2022-06-01. Review status: criteria provided, single submitter. Criteria: CeGaT Center For Human Genetics Tuebingen Variant Classification Criteria Version 2. Collection method: clinical testing. Allele origin: germline. Affected: yes. Observed: 1 variant allele.
Comment: DYNC1H1: PM2, PP2

Blueprint Genetics
Classification: Uncertain significance. Last evaluated: 2021-04-23. Review status: criteria provided, single submitter. Criteria: ACMG Guidelines, 2015. Collection method: clinical testing. Allele origin: germline.

NM_001376.5(DYNC1H1):c.2860A>G (p.Lys954Glu)

Gene: DYNC1H1 (dynein cytoplasmic 1 heavy chain 1; plus strand). Cytogenetic location: 14q32.31.
Variant type: single nucleotide variant.
Coding change: c.2860A>G on transcript NM_001376.5 (MANE Select); coding-DNA position 2860, A replaced by G.
Protein change: p.Lys954Glu; replaces lysine 954 with glutamic acid.
Molecular consequence: missense variant.
Genome position (GRCh38, 1-based): chr14:101,988,844, A>G. VCF-style: chr14-101988844-A-G. GRCh37 (hg19) VCF-style: chr14-102455181-A-G.
Other names: c.2860A>G (NM_001376.4); short protein forms K954E.
Identifiers: ClinVar variation 1694730 (VCV001694730.36), dbSNP rs2141276707, ClinGen allele CA391029094.